The following is an entry in ClinVar:

ClinVar aggregate classification (germline): Benign. Review status: criteria provided, multiple submitters, no conflicts (2 of 4 stars). 2 submissions from 2 submitters: Benign (2). Last evaluated 2018-06-14.

Allele frequency attached by ClinVar (database versions not stated): 1000 Genomes Project 0.59165; 1000 Genomes Project 30x 0.59838; gnomAD exomes 0.61994; gnomAD 0.62228 and 0.62705; TOPMed 0.64121.
gnomAD v4.1: 936,333 of 1,510,680 alleles (62%); highest among the groups gnomAD compares: Admixed American, 77%; 292,435 homozygotes.

Submissions (2):

GeneDx
Classification: Benign. Last evaluated: 2018-06-14. Review status: criteria provided, single submitter. Criteria: GeneDx Variant Classification (06012015). Collection method: clinical testing. Allele origin: germline. Affected: yes.
Comment: This variant is considered likely benign or benign based on one or more of the following criteria: it is a conservative change, it occurs at a poorly conserved position in the protein, it is predicted to be benign by multiple in silico algorithms, and/or has population frequency not consistent with disease.

Breakthrough Genomics
Classification: Benign. Review status: criteria provided, single submitter. Criteria: ACMG Guidelines, 2015. Collection method: not provided. Allele origin: germline. Inheritance: Autosomal recessive inheritance. Affected: yes.

NM_006767.4(LZTR1):c.1149+61A>C

Gene: LZTR1 (leucine zipper like post translational regulator 1; plus strand). Cytogenetic location: 22q11.21.
Variant type: single nucleotide variant.
Coding change: c.1149+61A>C on transcript NM_006767.4 (MANE Select); 61 bases into the intron after coding-DNA position 1149, A replaced by C.
Molecular consequence: intron variant.
Genome position (GRCh38, 1-based): chr22:20,992,430, A>C. VCF-style: chr22-20992430-A-C. GRCh37 (hg19) VCF-style: chr22-21346719-A-C.
Identifiers: ClinVar variation 561414 (VCV000561414.2), dbSNP rs756876, ClinGen allele CA14934945.
Genomic context (GRCh38, chr22:20,992,430, plus strand): 5'-GTACAGGCTGGGATCCTCATTAAGACTCCATCACCCCCTGAAACAGGTCCTGTGATCAAC[A>C]CCTCTCACACATGGGGAGACTGAGGCCCCGAGAAATACTTGCTTGGGGTCACACCACAAA-3'